The following is an entry in ClinVar:

NM_003183.6(ADAM17):c.2285dup (p.Gln763fs)

Genes: ADAM17 (ADAM metallopeptidase domain 17; minus strand), IAH1 (isoamyl acetate hydrolyzing esterase 1 (putative); plus strand). Cytogenetic location: 2p25.1.
Variant type: Duplication.
Coding change: c.2285dup on transcript NM_003183.6 (MANE Select); coding-DNA position 2285, one base duplicated (T; older notation c.2285dupT).
Protein change: p.Gln763fs; shifts the reading frame from glutamine 763.
Molecular consequence: frameshift variant.
Genome position (GRCh38, 1-based): chr2:9,490,367, A duplicated on the plus strand (T on the coding strand, the reverse complement: ADAM17 is on the minus strand). VCF-style (leftmost placement, unchanged base first): chr2-9490366-G-GA. GRCh37 (hg19) VCF-style: chr2-9630495-G-GA.
Other names: c.1625dup, p.Gln543fs (NM_001382777.1); c.1388dup, p.Gln464fs (NM_001382778.1); short protein forms Q464fs, Q763fs, Q543fs.
Identifiers: ClinVar variation 4713219 (VCV004713219.1).

ClinVar aggregate classification (germline): Uncertain significance (1 of 4 stars; one submission).

Conditions:
Inflammatory skin and bowel disease, neonatal, 1. Identifiers: Orphanet 294023, MedGen C3280501, MONDO:0013693, OMIM 614328.

Submission:

Labcorp Genetics (formerly Invitae), Labcorp
Classification: Uncertain significance for Inflammatory skin and bowel disease, neonatal, 1. Last evaluated: 2025-02-16. Review status: criteria provided, single submitter. Criteria: Invitae Variant Classification Sherloc (09022015). Collection method: clinical testing. Allele origin: germline.
Comment: This sequence change creates a premature translational stop signal (p.Gln763Profs*16) in the ADAM17 gene. While this is not anticipated to result in nonsense mediated decay, it is expected to disrupt the last 62 amino acid(s) of the ADAM17 protein. This variant is not present in population databases (gnomAD no frequency). This variant has not been reported in the literature in individuals affected with ADAM17-related conditions. Experimental studies and prediction algorithms are not available or were not evaluated, and the functional significance of this variant is currently unknown. In summary, the available evidence is currently insufficient to determine the role of this variant in disease. Therefore, it has been classified as a Variant of Uncertain Significance.